The following is an entry in ClinVar:

NM_000037.4(ANK1):c.1107+5G>C

Gene: ANK1 (ankyrin 1; minus strand). Cytogenetic location: 8p11.21.
Variant type: single nucleotide variant.
Coding change: c.1107+5G>C on transcript NM_000037.4 (MANE Select); 5 bases into the intron after coding-DNA position 1107, G replaced by C.
Molecular consequence: intron variant.
Genome position (GRCh38, 1-based): chr8:41,719,656, C>G on the plus strand (G>C on the coding strand, the complement: ANK1 is on the minus strand). VCF-style: chr8-41719656-C-G. GRCh37 (hg19) VCF-style: chr8-41577174-C-G.
Other names: c.1206+5G>C (NM_001142446.2); c.1107+5G>C (NM_020477.3, NM_020475.3, NM_020476.3).
Identifiers: ClinVar variation 2683015 (VCV002683015.1), dbSNP rs1828740377, ClinGen allele CA2697549890.
Genomic context (GRCh38, chr8:41,719,656, plus strand): 5'-CTCTCTGCTCCTGCCCCCAGCCTGCCCTGCCACTCTGCACCTTCTCCAGCAGCACCCCCA[C>G]TCACCAGGGCTCTGGAGTTGGGTTTGGCCCCTTTATCCAGAAGGACCTTAGCCACCCTGT-3'

ClinVar aggregate classification (germline): Uncertain significance (1 of 4 stars; one submission).

Submission:

Mayo Clinic Laboratories, Mayo Clinic
Classification: Uncertain significance. Last evaluated: 2022-06-09. Review status: criteria provided, single submitter. Criteria: ACMG Guidelines, 2015. Collection method: clinical testing. Allele origin: germline. Observed: 1 variant allele.
Comment: PP3, PM2